The following is an entry in ClinVar:

NM_001032283.3(TMPO):c.472TCT[1] (p.Ser159del)

Gene: TMPO (thymopoietin; plus strand). Cytogenetic location: 12q23.1.
Variant type: Microsatellite.
Coding change: c.472TCT[1] on transcript NM_001032283.3 (MANE Select); one copy of the 3-base unit TCT starting at c.472; the reference has two copies in a row; one copy, 3 bases deleted.
Protein change: p.Ser159del; deletes serine 159.
Molecular consequence: inframe deletion.
Genome position (GRCh38, 1-based): chr12:98,531,748-98,531,750, TCT deleted; deleting any 3 consecutive bases within chr12:98,531,745-98,531,750 gives the same sequence; the position shown is the placement nearest the transcript's 3' end. VCF-style (leftmost placement, unchanged base first): chr12-98531744-ATCT-A. GRCh37 (hg19) VCF-style: chr12-98925522-ATCT-A.
Other names: c.472TCT[1], p.Ser159del (NM_001032284.3, NM_001307975.2, NM_003276.2); short protein forms S159del.
Identifiers: ClinVar variation 2169684 (VCV002169684.4), dbSNP rs754290044, ClinGen allele CA6732211.

ClinVar aggregate classification (germline): Uncertain significance (1 of 4 stars; one submission).

Conditions:
Loeys-Dietz syndrome 2 (LDS2). Also called: Marfan syndrome, type 2 (formerly); AORTIC ANEURYSM, FAMILIAL THORACIC 3; MARFAN SYNDROME, TYPE II; TGFBR2-Related Loeys-Dietz Syndrome; Marfan Syndrome type 2; Marfan like connective tissue disorder. Identifiers: Orphanet 284973, Orphanet 558, MedGen C2674574, MONDO:0012427, OMIM 610168.

Submission:

Labcorp Genetics (formerly Invitae), Labcorp
Classification: Uncertain significance for Loeys-Dietz syndrome 2. Last evaluated: 2024-07-02. Review status: criteria provided, single submitter. Criteria: Invitae Variant Classification Sherloc (09022015). Collection method: clinical testing. Allele origin: germline.
Comment: This variant, c.475_477del, results in the deletion of 1 amino acid(s) of the TMPO protein (p.Ser159del), but otherwise preserves the integrity of the reading frame. This variant is present in population databases (rs754290044, gnomAD 0.02%). This variant has not been reported in the literature in individuals affected with TMPO-related conditions. Experimental studies and prediction algorithms are not available or were not evaluated, and the functional significance of this variant is currently unknown. In summary, the available evidence is currently insufficient to determine the role of this variant in disease. Therefore, it has been classified as a Variant of Uncertain Significance.